The following is an entry in ClinVar:

NM_000535.7(PMS2):c.1999G>A (p.Glu667Lys)

Gene: PMS2 (PMS1 homolog 2, mismatch repair system component; minus strand). Cytogenetic location: 7p22.1.
Variant type: single nucleotide variant.
Coding change: c.1999G>A on transcript NM_000535.7 (MANE Select); coding-DNA position 1999, G replaced by A.
Protein change: p.Glu667Lys; replaces glutamic acid 667 with lysine.
Molecular consequence: missense variant. On other transcripts: non-coding transcript variant (1).
Genome position (GRCh38, 1-based): chr7:5,986,766, C>T on the plus strand (G>A on the coding strand, the complement: PMS2 is on the minus strand). VCF-style: chr7-5986766-C-T. GRCh37 (hg19) VCF-style: chr7-6026397-C-T.
Other names: c.1594G>A, p.Glu532Lys (NM_001322003.2, NM_001322004.2, NM_001322005.2 and 1 more transcripts); c.1843G>A, p.Glu615Lys (NM_001322006.2); c.1681G>A, p.Glu561Lys (NM_001322007.2, NM_001322008.2); c.1438G>A, p.Glu480Lys (NM_001322010.2); c.1066G>A, p.Glu356Lys (NM_001322011.2, NM_001322012.2); c.1426G>A, p.Glu476Lys (NM_001322013.2); c.1999G>A, p.Glu667Lys (NM_001322014.2); c.1690G>A, p.Glu564Lys (NM_001322015.2); short protein forms E667K, E356K, E532K, E615K, E476K, E480K, E561K, E564K.
Identifiers: ClinVar variation 127769 (VCV000127769.43), dbSNP rs587780045, ClinGen allele CA010622.

ClinVar aggregate classification (germline): Conflicting classifications of pathogenicity. Review status: criteria provided, conflicting classifications (1 of 4 stars). 16 submissions from 16 submitters: Uncertain significance (14); Likely benign (1). 1 of the submissions does not count toward it. Last evaluated 2026-01-28.

Conditions:
PMS2-related disorder. Also called: PMS2-related condition.
Hereditary nonpolyposis colorectal neoplasms. Identifiers: MedGen C0009405, MeSH D003123.
Hereditary cancer-predisposing syndrome. Also called: Hereditary neoplastic syndrome; Tumor predisposition; Neoplastic Syndromes, Hereditary; Hereditary Cancer Syndrome. Identifiers: Orphanet 140162, MedGen C0027672, MeSH D009386, MONDO:0015356.
Lynch syndrome. Identifiers: Orphanet 144, MedGen C4552100, MONDO:0005835. Disease mechanism: loss of function.
Lynch syndrome 4 (LYNCH4). Also called: Hereditary non-polyposis colorectal cancer, type 4; Colorectal cancer, hereditary nonpolyposis, type 4. Identifiers: Orphanet 144, MedGen C1838333, MONDO:0013699, OMIM 614337. Disease mechanism: loss of function.
Familial cancer of breast. Also called: hereditary breast carcinoma; Hereditary breast cancer; BREAST CANCER, FAMILIAL. Identifiers: Orphanet 227535, MedGen C0346153, MONDO:0016419, OMIM 114480. Disease mechanism: loss of function.

Allele frequency attached by ClinVar (database versions not stated): gnomAD 0.00003; gnomAD exomes 0.00003; TOPMed 0.00003; ExAC 0.00006.
gnomAD v4.1: 46 of 1,595,558 alleles (0.0029%); highest among the groups gnomAD compares: Admixed American, 0.0035%; no homozygotes.

Submissions 1 to 10 of 16:

Labcorp Genetics (formerly Invitae), Labcorp
Classification: Uncertain significance for Hereditary nonpolyposis colorectal neoplasms. Last evaluated: 2026-01-28. Review status: criteria provided, single submitter. Criteria: Invitae Variant Classification Sherloc (09022015). Collection method: clinical testing. Allele origin: germline.
Comment: This sequence change replaces glutamic acid, which is acidic and polar, with lysine, which is basic and polar, at codon 667 of the PMS2 protein (p.Glu667Lys). This variant is present in population databases (rs587780045, gnomAD 0.007%). This missense change has been observed in individual(s) with with PMS2-related conditions (PMID: 27449771, 27616075, 33294277, 35127508, 36011273). ClinVar contains an entry for this variant (Variation ID: 127769). Invitae Evidence Modeling incorporating data from in vitro experimental studies (internal data) indicates that this missense variant is not expected to disrupt PMS2 function with a negative predictive value of 95%. In summary, the available evidence is currently insufficient to determine the role of this variant in disease. Therefore, it has been classified as a Variant of Uncertain Significance.

Quest Diagnostics Nichols Institute San Juan Capistrano
Classification: Uncertain significance. Last evaluated: 2025-10-10. Review status: criteria provided, single submitter. Criteria: Quest Diagnostics criteria. Collection method: clinical testing. Allele origin: unknown.
Comment: The PMS2 c.1999G>A (p.Glu667Lys) variant has been reported in the published literature in individuals with colorectal cancer (PMID: 33294277 (2020)), breast and/or ovarian cancer (PMIDs: 31159747 (2019), 35127508 (2021), 36011273 (2022), Duzkale et al. Turk J Clin Lab 3:346-356 (2021)), pancreatic cancer (PMID: 27449771 (2016)), peritoneal cancer (PMID: 27616075 (2016)), head and neck squamous cell carcinoma (PMID: 26689913 (2015)), and unspecified cancers (PMID: 31391288 (2020), 35089076 (2022)). The frequency of this variant in the general population (Genome Aggregation Database) is uninformative in the assessment of its pathogenicity. Analysis of this variant using bioinformatics tools for the prediction of the effect of amino acid changes on protein structure and function yielded conflicting predictions that this variant is deleterious or benign. Based on the available information, we are unable to determine the clinical significance of this variant.

GeneDx
Classification: Uncertain significance. Last evaluated: 2025-06-20. Review status: criteria provided, single submitter. Criteria: GeneDx Variant Classification Process June 2021. Collection method: clinical testing. Allele origin: germline. Affected: yes.
Comment: Observed in individuals with breast, peritoneal, pancreatic or other cancer in published literature (PMID: 27449771, 27616075, 31159747, 35089076, 31391288, 35127508, 36011273); In silico analysis suggests that this missense variant does not alter protein structure/function; This variant is associated with the following publications: (PMID: 31159747, 33294277, 31391288, 35089076, 11292842, 27616075, 35127508, 36011273, 27449771)

Ambry Genetics
Classification: Likely benign for Hereditary cancer-predisposing syndrome. Last evaluated: 2025-06-09. Review status: criteria provided, single submitter. Criteria: Ambry Variant Classification Scheme 2023. Collection method: clinical testing. Allele origin: germline.

All of Us Research Program, National Institutes of Health
Classification: Uncertain significance for Lynch syndrome. Last evaluated: 2024-09-23. Review status: criteria provided, single submitter. Criteria: ACMG Guidelines, 2015. Collection method: clinical testing. Allele origin: germline. Inheritance: Autosomal dominant inheritance. Observed: 6 variant alleles, 6 heterozygotes.
Comment: This missense variant replaces glutamic acid with lysine at codon 667 of the PMS2 protein. Computational prediction suggests that this variant may not impact protein structure and function (internally defined REVEL score threshold <= 0.5, PMID: 27666373). To our knowledge, functional studies have not been reported for this variant. This variant has been reported in individuals affected with peritoneal cancer (PMID: 27616075), colorectal cancer with immunohistochemistry showing MSH6 loss (PMID: 33294277), head and neck squamous cell carcinoma (PMID: 26689913), and breast cancer (PMID: 35127508, 36011273; Duzkale et al. 2021). This variant has been identified in 8/238424 chromosomes in the general population by the Genome Aggregation Database (gnomAD). The available evidence is insufficient to determine the role of this variant in disease conclusively. Therefore, this variant is classified as a Variant of Uncertain Significance.

This study involves interpretation of variants in research participants for the purpose of population health screening. Participant phenotype was not available at the time of variant classification. Additional details can be found in publication PMID: 35346344, PMCID: PMC8962531

Blueprint Genetics
Classification: Uncertain significance. Last evaluated: 2024-07-24. Review status: criteria provided, single submitter. Criteria: ACMG Guidelines, 2015. Collection method: clinical testing. Allele origin: germline.

Molecular Pathology, Peter Maccallum Cancer Centre
Classification: Uncertain significance for Lynch syndrome 4. Last evaluated: 2024-03-01. Review status: criteria provided, single submitter. Criteria: ACMG Guidelines, 2015. Collection method: clinical testing. Allele origin: germline. Inheritance: Autosomal dominant inheritance.

Baylor Genetics
Classification: Uncertain significance for Lynch syndrome 4. Last evaluated: 2024-02-28. Review status: criteria provided, single submitter. Criteria: ACMG Guidelines, 2015. Collection method: clinical testing. Allele origin: unknown.

Department of Pathology and Laboratory Medicine, Sinai Health System
Classification: Uncertain significance for Lynch syndrome. Last evaluated: 2023-11-30. Review status: criteria provided, single submitter. Criteria: ACMG Guidelines, 2015. Collection method: clinical testing. Allele origin: germline. Affected: yes.

Color Diagnostics, LLC DBA Color Health
Classification: Uncertain significance for Hereditary cancer-predisposing syndrome. Last evaluated: 2023-11-20. Review status: criteria provided, single submitter. Criteria: ACMG Guidelines, 2015. Collection method: clinical testing. Allele origin: germline.
Comment: This missense variant replaces glutamic acid with lysine at codon 667 of the PMS2 protein. Computational prediction suggests that this variant may not impact protein structure and function (internally defined REVEL score threshold <= 0.5, PMID: 27666373). To our knowledge, functional studies have not been reported for this variant. This variant has been reported in individuals affected with peritoneal cancer (PMID: 27616075), head and neck squamous cell carcinoma (PMID: 26689913), breast cancer (PMID: 35127508, 36011273; Duzkale et al. 2021), and colorectal cancer with a tumor showing MSH6 loss via immunohistochemistry but microsatellite stability (PMID: 33294277). This variant has been identified in 8/238424 chromosomes in the general population by the Genome Aggregation Database (gnomAD). The available evidence is insufficient to determine the role of this variant in disease conclusively. Therefore, this variant is classified as a Variant of Uncertain Significance.